The following is an entry in ClinVar:

NM_000260.4(MYO7A):c.6559-13C>G

Gene: MYO7A (myosin VIIA; plus strand). Cytogenetic location: 11q13.5.
Variant type: single nucleotide variant.
Coding change: c.6559-13C>G on transcript NM_000260.4 (MANE Select); 13 bases into the intron before coding-DNA position 6559, C replaced by G.
Molecular consequence: intron variant.
Genome position (GRCh38, 1-based): chr11:77,214,594, C>G. VCF-style: chr11-77214594-C-G. GRCh37 (hg19) VCF-style: chr11-76925639-C-G.
Other names: c.6412-13C>G (NM_001369365.1); c.6439-13C>G (NM_001127180.2).
Identifiers: ClinVar variation 1434629 (VCV001434629.9), dbSNP rs2135804929, ClinGen allele CA2573147850.

ClinVar aggregate classification (germline): Pathogenic. Review status: criteria provided, multiple submitters, no conflicts (2 of 4 stars). 2 submissions from 2 submitters: Pathogenic (2). Last evaluated 2025-03-20.

Conditions:
Usher syndrome type 1 (USH1). Also called: RETINITIS PIGMENTOSA AND CONGENITAL DEAFNESS. Identifiers: Orphanet 231169, Orphanet 886, MedGen C1568247, MONDO:0010168, OMIM 276900.

Submissions (2):

Labcorp Genetics (formerly Invitae), Labcorp
Classification: Pathogenic. Last evaluated: 2025-03-20. Review status: criteria provided, single submitter. Criteria: Invitae Variant Classification Sherloc (09022015). Collection method: clinical testing. Allele origin: germline.
Comment: This sequence change falls in intron 48 of the MYO7A gene. It does not directly change the encoded amino acid sequence of the MYO7A protein. This variant is not present in population databases (gnomAD no frequency). This variant has been observed in individual(s) with autosomal recessive MYO7A-related conditions (PMID: 38245557; internal data). It has also been observed to segregate with disease in related individuals. ClinVar contains an entry for this variant (Variation ID: 1434629). Algorithms developed to predict the effect of sequence changes on RNA splicing suggest that this variant may disrupt the consensus splice site. For these reasons, this variant has been classified as Pathogenic.

Institute of Rare Diseases, West China Hospital, Sichuan University
Classification: Pathogenic for Usher syndrome type 1. Last evaluated: 2025-01-09. Review status: criteria provided, single submitter. Criteria: ClinGen HL ACMG Specifications v1. Collection method: research. Allele origin: germline. Affected: yes.
Comment: PM3_VeryStrong;PP4;PP1;PM2_Supporting

Literature cited by the submitters: PubMed 38245557 (cited by Labcorp Genetics (formerly Invitae), Labcorp).